The following is an entry in ClinVar:

ClinVar aggregate classification (germline): Pathogenic (1 of 4 stars; one submission).

Conditions:
Hereditary cancer-predisposing syndrome. Also called: Hereditary neoplastic syndrome; Tumor predisposition; Hereditary Cancer Syndrome; Neoplastic Syndromes, Hereditary. Identifiers: Orphanet 140162, MedGen C0027672, MeSH D009386, MONDO:0015356.

Submission:

Ambry Genetics
Classification: Pathogenic for Hereditary cancer-predisposing syndrome. Last evaluated: 2023-07-18. Review status: criteria provided, single submitter. Criteria: Ambry Variant Classification Scheme 2023. Collection method: clinical testing. Allele origin: germline.
Comment: The p.C1030* pathogenic mutation (also known as c.3090T>A), located in coding exon 15 of the BLM gene, results from a T to A substitution at nucleotide position 3090. This changes the amino acid from a cysteine to a stop codon within coding exon 15. This variant is considered to be rare based on population cohorts in the Genome Aggregation Database (gnomAD). This alteration is expected to result in loss of function by premature protein truncation or nonsense-mediated mRNA decay. As such, this alteration is interpreted as a disease-causing mutation.

NM_000057.4(BLM):c.3090T>A (p.Cys1030Ter)

Gene: BLM (BLM RecQ like helicase; plus strand). Cytogenetic location: 15q26.1.
Variant type: single nucleotide variant.
Coding change: c.3090T>A on transcript NM_000057.4 (MANE Select); coding-DNA position 3090, T replaced by A.
Protein change: p.Cys1030Ter; replaces cysteine 1030 with a stop codon.
Molecular consequence: nonsense.
Genome position (GRCh38, 1-based): chr15:90,794,237, T>A. VCF-style: chr15-90794237-T-A. GRCh37 (hg19) VCF-style: chr15-91337467-T-A.
Other names: c.3090T>A, p.Cys1030Ter (NM_001287246.2, NM_001287247.2); c.1965T>A, p.Cys655Ter (NM_001287248.2); short protein forms C1030*, C655*.
Identifiers: ClinVar variation 2586874 (VCV002586874.2), dbSNP rs2505525001, ClinGen allele CA393846810.